The following is an entry in ClinVar:

ClinVar aggregate classification (germline): Conflicting classifications of pathogenicity. Review status: criteria provided, conflicting classifications (1 of 4 stars). 2 submissions from 2 submitters: Uncertain significance (1); Likely benign (1). Last evaluated 2025-06-22.

gnomAD v4.1: 19 of 1,613,730 alleles (0.0012%); highest among the groups gnomAD compares: Admixed American, 0.018%; no homozygotes.

Submissions (2):

Ambry Genetics
Classification: Likely benign. Last evaluated: 2025-06-22. Review status: criteria provided, single submitter. Criteria: Ambry Variant Classification Scheme 2023. Collection method: clinical testing. Allele origin: germline.

Labcorp Genetics (formerly Invitae), Labcorp
Classification: Uncertain significance. Last evaluated: 2025-02-07. Review status: criteria provided, single submitter. Criteria: Invitae Variant Classification Sherloc (09022015). Collection method: clinical testing. Allele origin: germline.
Comment: This sequence change replaces asparagine, which is neutral and polar, with serine, which is neutral and polar, at codon 87 of the SALL2 protein (p.Asn87Ser). This variant is present in population databases (rs369621765, gnomAD 0.02%). This variant has not been reported in the literature in individuals affected with SALL2-related conditions. An algorithm developed to predict the effect of missense changes on protein structure and function outputs the following: PolyPhen-2: "Benign". The serine amino acid residue is found in multiple mammalian species, which suggests that this missense change does not adversely affect protein function. In summary, the available evidence is currently insufficient to determine the role of this variant in disease. Therefore, it has been classified as a Variant of Uncertain Significance.

NM_001364564.1(SALL2):c.254A>G (p.Asn85Ser)

Gene: SALL2 (spalt like transcription factor 2; minus strand). Cytogenetic location: 14q11.2.
Variant type: single nucleotide variant.
Coding change: c.254A>G on transcript NM_001364564.1 (MANE Select); coding-DNA position 254, A replaced by G.
Protein change: p.Asn85Ser; replaces asparagine 85 with serine.
Molecular consequence: missense variant. On other transcripts: non-coding transcript variant (2).
Genome position (GRCh38, 1-based): chr14:21,525,468, T>C on the plus strand (A>G on the coding strand, the complement: SALL2 is on the minus strand). VCF-style: chr14-21525468-T-C. GRCh37 (hg19) VCF-style: chr14-21993602-T-C.
Other names: c.260A>G (NM_005407.1); c.260A>G, p.Asn87Ser (NM_001291446.2, NM_005407.3); c.254A>G, p.Asn85Ser (NM_001291447.2); short protein forms N85S, N87S.
Identifiers: ClinVar variation 3710517 (VCV003710517.3).